The following is an entry in ClinVar:

ClinVar aggregate classification (germline): Uncertain significance. Review status: criteria provided, multiple submitters, no conflicts (2 of 4 stars). 2 submissions from 2 submitters: Uncertain significance (2). Last evaluated 2024-03-18.

Conditions:
Spondylometaphyseal dysplasia - Sutcliffe type. Also called: Sutcliffe type of spondylometaphyseal dysplasia; Sutcliffe SMD; Spondylometaphyseal dysplasia, 'corner fracture' type; Spondylometaphyseal Dysplasia, Corner Fracture Type. Identifiers: Orphanet 93315, MedGen C0432221, MONDO:0008479, OMIM 184255.
Glomerulopathy with fibronectin deposits 2 (GFND2). Identifiers: Orphanet 84090, MedGen C1866075, MONDO:0011165, OMIM 601894.

Allele frequency attached by ClinVar (database versions not stated): gnomAD exomes below 0.00001; TOPMed below 0.00001; gnomAD 0.00001.

Submissions (2):

Fulgent Genetics
Classification: Uncertain significance for Spondylometaphyseal dysplasia - Sutcliffe type; Glomerulopathy with fibronectin deposits 2. Last evaluated: 2024-03-18. Review status: criteria provided, single submitter. Criteria: ACMG Guidelines, 2015. Collection method: clinical testing. Allele origin: germline.

Labcorp Genetics (formerly Invitae), Labcorp
Classification: Uncertain significance. Last evaluated: 2022-06-23. Review status: criteria provided, single submitter. Criteria: Invitae Variant Classification Sherloc (09022015). Collection method: clinical testing. Allele origin: germline.
Comment: This sequence change replaces glutamine, which is neutral and polar, with arginine, which is basic and polar, at codon 64 of the FN1 protein (p.Gln64Arg). This variant is present in population databases (no rsID available, gnomAD 0.01%). This variant has not been reported in the literature in individuals affected with FN1-related conditions. Algorithms developed to predict the effect of missense changes on protein structure and function are either unavailable or do not agree on the potential impact of this missense change (SIFT: "Not Available"; PolyPhen-2: "Probably Damaging"; Align-GVGD: "Not Available"). In summary, the available evidence is currently insufficient to determine the role of this variant in disease. Therefore, it has been classified as a Variant of Uncertain Significance.

NM_212482.4(FN1):c.191A>G (p.Gln64Arg)

Gene: FN1 (fibronectin 1; minus strand). Cytogenetic location: 2q35.
Variant type: single nucleotide variant.
Coding change: c.191A>G on transcript NM_212482.4 (MANE Select); coding-DNA position 191, A replaced by G.
Protein change: p.Gln64Arg; replaces glutamine 64 with arginine.
Molecular consequence: missense variant.
Genome position (GRCh38, 1-based): chr2:215,434,782, T>C on the plus strand (A>G on the coding strand, the complement: FN1 is on the minus strand). VCF-style: chr2-215434782-T-C. GRCh37 (hg19) VCF-style: chr2-216299505-T-C.
Other names: c.191A>G, p.Gln64Arg (NM_001306129.2, NM_001306130.2, NM_001306131.2 and 14 more transcripts); short protein forms Q64R.
Identifiers: ClinVar variation 2009775 (VCV002009775.5), dbSNP rs991656717, ClinGen allele CA64839480.